The following is an entry in ClinVar:

NM_001113378.2(FANCI):c.1742A>G (p.Glu581Gly)

Gene: FANCI (FA complementation group I; plus strand). Cytogenetic location: 15q26.1.
Variant type: single nucleotide variant.
Coding change: c.1742A>G on transcript NM_001113378.2 (MANE Select); coding-DNA position 1742, A replaced by G.
Protein change: p.Glu581Gly; replaces glutamic acid 581 with glycine.
Molecular consequence: missense variant.
Genome position (GRCh38, 1-based): chr15:89,285,139, A>G. VCF-style: chr15-89285139-A-G. GRCh37 (hg19) VCF-style: chr15-89828370-A-G.
Other names: c.1463A>G, p.Glu488Gly (NM_001376910.1); c.1742A>G, p.Glu581Gly (NM_001376911.1, NM_018193.3); short protein forms E488G, E581G.
Identifiers: ClinVar variation 1062607 (VCV001062607.11), dbSNP rs1262508273, ClinGen allele CA393745755.

ClinVar aggregate classification (germline): Uncertain significance. Review status: criteria provided, multiple submitters, no conflicts (2 of 4 stars). 4 submissions from 4 submitters: Uncertain significance (4). Last evaluated 2025-09-16.

Conditions:
Fanconi anemia complementation group I (FANCI). Also called: FANCI-Related Fanconi Anemia. Identifiers: Orphanet 84, MedGen C1836861, MONDO:0012186, OMIM 609053.
Fanconi anemia (FA). Also called: Fanconi's anemia. Identifiers: Orphanet 84, MedGen C0015625, MeSH D005199, MONDO:0019391.

Allele frequency attached by ClinVar (database versions not stated): TOPMed below 0.00001; gnomAD exomes 0.00002.
gnomAD v4.1: 29 of 1,614,182 alleles (0.0018%); highest among the groups gnomAD compares: Non-Finnish European, 0.0025%; no homozygotes.

Submissions (4):

Labcorp Genetics (formerly Invitae), Labcorp
Classification: Uncertain significance for Fanconi anemia. Last evaluated: 2025-09-16. Review status: criteria provided, single submitter. Criteria: Invitae Variant Classification Sherloc (09022015). Collection method: clinical testing. Allele origin: germline.
Comment: This sequence change replaces glutamic acid, which is acidic and polar, with glycine, which is neutral and non-polar, at codon 581 of the FANCI protein (p.Glu581Gly). This variant is present in population databases (no rsID available, gnomAD 0.004%). This variant has not been reported in the literature in individuals affected with FANCI-related conditions. ClinVar contains an entry for this variant (Variation ID: 1062607). Invitae Evidence Modeling of protein sequence and biophysical properties (such as structural, functional, and spatial information, amino acid conservation, physicochemical variation, residue mobility, and thermodynamic stability) indicates that this missense variant is expected to disrupt FANCI protein function with a positive predictive value of 80%. In summary, the available evidence is currently insufficient to determine the role of this variant in disease. Therefore, it has been classified as a Variant of Uncertain Significance.

Blueprint Genetics
Classification: Uncertain significance. Last evaluated: 2024-09-05. Review status: criteria provided, single submitter. Criteria: ACMG Guidelines, 2015. Collection method: clinical testing. Allele origin: germline.

Center for Genomics, Ann and Robert H. Lurie Children's Hospital of Chicago
Classification: Uncertain significance for Fanconi anemia complementation group I. Last evaluated: 2022-12-21. Review status: criteria provided, single submitter. Criteria: ACMG Guidelines, 2015. Collection method: clinical testing. Allele origin: germline.
Comment: This variant has not been reported in the literature but is present in the Genome Aggregation Database (Highest reported MAF: 0.004% [4/113764]), and in ClinVar (Variation ID: 1062607). Evolutionary conservation and computational prediction tools suggest that this variant may not impact the protein. In summary, data on this variant is insufficient for disease classification. Therefore, the clinical significance of this variant is uncertain.

GeneDx
Classification: Uncertain significance. Last evaluated: 2022-05-13. Review status: criteria provided, single submitter. Criteria: GeneDx Variant Classification Process June 2021. Collection method: clinical testing. Allele origin: germline. Affected: yes.
Comment: In silico analysis supports that this missense variant has a deleterious effect on protein structure/function; Has not been previously published as pathogenic or benign to our knowledge